The following is an entry in ClinVar:

ClinVar aggregate classification (germline): Uncertain significance (1 of 4 stars; one submission).

Submission:

GeneDx
Classification: Uncertain significance. Last evaluated: 2025-01-28. Review status: criteria provided, single submitter. Criteria: GeneDx Variant Classification Process June 2021. Collection method: clinical testing. Allele origin: germline. Affected: yes.
Comment: Not observed at significant frequency in large population cohorts (gnomAD); In silico analysis supports that this missense variant has a deleterious effect on protein structure/function; Has not been previously published as pathogenic or benign to our knowledge

NM_006059.4(LAMC3):c.1402A>T (p.Asn468Tyr)

Gene: LAMC3 (laminin subunit gamma 3; plus strand). Cytogenetic location: 9q34.12.
Variant type: single nucleotide variant.
Coding change: c.1402A>T on transcript NM_006059.4 (MANE Select); coding-DNA position 1402, A replaced by T.
Protein change: p.Asn468Tyr; replaces asparagine 468 with tyrosine.
Molecular consequence: missense variant.
Genome position (GRCh38, 1-based): chr9:131,045,543, A>T. VCF-style: chr9-131045543-A-T. GRCh37 (hg19) VCF-style: chr9-133920930-A-T.
Other names: short protein forms N468Y.
Identifiers: ClinVar variation 4071748 (VCV004071748.1).